The following is an entry in ClinVar:

ClinVar aggregate classification (germline): Uncertain significance (1 of 4 stars; one submission).

Conditions:
Cryopyrin associated periodic syndrome (CAPS). Identifiers: Orphanet 208650, MedGen C2316212, MONDO:0016168.

Allele frequency attached by ClinVar (database versions not stated): gnomAD exomes below 0.00001.
gnomAD v4.1: 3 of 1,342,188 alleles (0.00022%); highest among the groups gnomAD compares: Non-Finnish European, 0.00029%; no homozygotes.

Submission:

Labcorp Genetics (formerly Invitae), Labcorp
Classification: Uncertain significance for Cryopyrin associated periodic syndrome. Last evaluated: 2022-06-18. Review status: criteria provided, single submitter. Criteria: Invitae Variant Classification Sherloc (09022015). Collection method: clinical testing. Allele origin: germline.
Comment: In summary, the available evidence is currently insufficient to determine the role of this variant in disease. Therefore, it has been classified as a Variant of Uncertain Significance. Algorithms developed to predict the effect of missense changes on protein structure and function are either unavailable or do not agree on the potential impact of this missense change (SIFT: "Tolerated"; PolyPhen-2: "Probably Damaging"; Align-GVGD: "Class C0"). This variant has not been reported in the literature in individuals affected with NLRP3-related conditions. This variant is not present in population databases (gnomAD no frequency). This sequence change replaces leucine, which is neutral and non-polar, with methionine, which is neutral and non-polar, at codon 777 of the NLRP3 protein (p.Leu777Met).

NM_001243133.2(NLRP3):c.2323T>A (p.Leu775Met)

Gene: NLRP3 (NLR family pyrin domain containing 3; plus strand). Cytogenetic location: 1q44.
Variant type: single nucleotide variant.
Coding change: c.2323T>A on transcript NM_001243133.2 (MANE Select); coding-DNA position 2323, T replaced by A.
Protein change: p.Leu775Met; replaces leucine 775 with methionine.
Molecular consequence: missense variant.
Genome position (GRCh38, 1-based): chr1:247,434,104, T>A. VCF-style: chr1-247434104-T-A. GRCh37 (hg19) VCF-style: chr1-247597406-T-A.
Other names: c.2323T>A, p.Leu775Met (NM_001079821.3, NM_001127461.3); c.2152T>A, p.Leu718Met (NM_001127462.3, NM_183395.3); c.2329T>A, p.Leu777Met (NM_004895.5); short protein forms L718M, L775M, L777M.
Identifiers: ClinVar variation 2077198 (VCV002077198.4), dbSNP rs2527366501, ClinGen allele CA345560822.